The following is an entry in ClinVar:

ClinVar aggregate classification (germline): Benign/Likely benign. Review status: criteria provided, multiple submitters, no conflicts (2 of 4 stars). 4 submissions from 3 submitters: Benign (1); Likely benign (3). Last evaluated 2025-10-17.

Conditions:
Congenital myopathy 23 (CMYO23). Also called: NEMALINE MYOPATHY 4; CAP MYOPATHY 2; Nemaline myopathy 4, autosomal dominant. Identifiers: MedGen C1836447, MONDO:0012240, OMIM 609285.
Arthrogryposis, distal, type 1A. Also called: ARTHROGRYPOSIS MULTIPLEX CONGENITA, DISTAL, TYPE I. Identifiers: Orphanet 1146, MedGen C6022280, MONDO:0007157, OMIM 108120.

Allele frequency attached by ClinVar (database versions not stated): gnomAD 0.00001 and 0.00006; TOPMed 0.00001; gnomAD exomes 0.00007; 1000 Genomes Project 30x 0.00031; 1000 Genomes Project 0.00040.
gnomAD v4.1: 107 of 1,556,782 alleles (0.0069%); highest among the groups gnomAD compares: East Asian, 0.24%; no homozygotes.

Submissions (4):

Labcorp Genetics (formerly Invitae), Labcorp
Classification: Likely benign for Digitotalar dysmorphism. Last evaluated: 2025-10-17. Review status: criteria provided, single submitter. Criteria: Invitae Variant Classification Sherloc (09022015). Collection method: clinical testing. Allele origin: germline.

Blueprint Genetics
Classification: Likely benign. Last evaluated: 2020-10-01. Review status: criteria provided, single submitter. Criteria: ACMG Guidelines, 2015. Collection method: clinical testing. Allele origin: germline.

Illumina Laboratory Services, Illumina
Classification: Likely benign for Arthrogryposis, distal, type 1A. Last evaluated: 2018-01-12. Review status: criteria provided, single submitter. Criteria: ICSL Variant Classification Criteria 13 December 2019. Collection method: clinical testing. Allele origin: germline.
Comment: This variant was observed in the ICSL laboratory as part of a predisposition screen in an ostensibly healthy population. It had not been previously curated by ICSL or reported in the Human Gene Mutation Database (HGMD: prior to June 1st, 2018), and was therefore a candidate for classification through an automated scoring system. Utilizing variant allele frequency, disease prevalence and penetrance estimates, and inheritance mode, an automated score was calculated to assess if this variant is too frequent to cause the disease. Based on the score and internal cut-off values, a variant classified as likely benign is not then subjected to further curation. The score for this variant resulted in a classification of likely benign for this disease.

Illumina Laboratory Services, Illumina
Classification: Benign for Congenital myopathy 23. Last evaluated: 2018-01-12. Review status: criteria provided, single submitter. Criteria: ICSL Variant Classification Criteria 13 December 2019. Collection method: clinical testing. Allele origin: germline.
Comment: This variant was observed in the ICSL laboratory as part of a predisposition screen in an ostensibly healthy population. It had not been previously curated by ICSL or reported in the Human Gene Mutation Database (HGMD: prior to June 1st, 2018), and was therefore a candidate for classification through an automated scoring system. Utilizing variant allele frequency, disease prevalence and penetrance estimates, and inheritance mode, an automated score was calculated to assess if this variant is too frequent to cause the disease. Based on the score and internal cut-off values, a variant classified as benign is not then subjected to further curation. The score for this variant resulted in a classification of benign for this disease.

NM_003289.4(TPM2):c.813C>T (p.Ser271=)

Gene: TPM2 (tropomyosin 2; minus strand). Cytogenetic location: 9p13.3.
Variant type: single nucleotide variant.
Coding change: c.813C>T on transcript NM_003289.4 (MANE Select); coding-DNA position 813, C replaced by T.
Protein change: p.Ser271=; no amino-acid change (serine 271 retained).
Molecular consequence: synonymous variant. On other transcripts: intron variant (2).
Genome position (GRCh38, 1-based): chr9:35,683,201, G>A on the plus strand (C>T on the coding strand, the complement: TPM2 is on the minus strand). VCF-style: chr9-35683201-G-A. GRCh37 (hg19) VCF-style: chr9-35683198-G-A.
Other names: c.813C>T, p.Ser271= (NM_001301227.2); c.773-1038C>T (NM_213674.1, NM_001301226.2).
Identifiers: ClinVar variation 366767 (VCV000366767.10), dbSNP rs201215303, ClinGen allele CA10627301.
Genomic context (GRCh38, chr9:35,683,201, plus strand): 5'-GCCACGCTGGCGTGGGGCTCAGAGGGAGGTGATGTCATTGAGTGCGTTGTCCAGTTCCTC[G>A]CTAATGGCCTTGTACTTCATCTTCTGGGCATAGACTTCATCTGGGGGGGGTCCAGGGAGG-3'
Protein context (NP_003280.2, residues 261-281): YAQKMKYKAI[Ser271=]EELDNALNDI